The following is an entry in ClinVar:

ClinVar aggregate classification (germline): Pathogenic/Likely pathogenic. Review status: criteria provided, multiple submitters, no conflicts (2 of 4 stars). 3 submissions from 3 submitters: Pathogenic (2); Likely pathogenic (1). Last evaluated 2025-11-01.

Conditions:
Neurodevelopmental disorder with progressive spasticity and brain white matter abnormalities. Also called: CEREBRAL PALSY, SPASTIC QUADRIPLEGIC, 1. Identifiers: Orphanet 210141, Orphanet 641353, MedGen C5436628, MONDO:0033613, OMIM 619026.

Submissions (3):

CeGaT Center for Human Genetics Tuebingen
Classification: Likely pathogenic. Last evaluated: 2025-11-01. Review status: criteria provided, single submitter. Criteria: CeGaT Center For Human Genetics Tuebingen Variant Classification Criteria Version 2. Collection method: clinical testing. Allele origin: germline. Affected: yes. Observed: 1 variant allele.
Comment: HPDL: PVS1:Strong, PM2, PM3

Laboratory of Genetics, Children's Clinical University Hospital Latvia
Classification: Pathogenic. Last evaluated: 2025-02-16. Review status: criteria provided, single submitter. Criteria: ACMG Guidelines, 2015. Collection method: clinical testing. Allele origin: germline. Affected: yes.

Medical Genetics and Mitochondrial Research group, Latvian Biomedical Research and Study center
Classification: Pathogenic for Neurodevelopmental disorder with progressive spasticity and brain white matter abnormalities. Last evaluated: 2021-12-01. Review status: criteria provided, single submitter. Criteria: ACMG Guidelines, 2015. Collection method: research. Allele origin: germline. Inheritance: Autosomal recessive inheritance. Affected: yes. Observed: 1 homozygote.

NM_032756.4(HPDL):c.599del (p.Gly200fs)

Gene: HPDL (4-hydroxyphenylpyruvate dioxygenase like; plus strand). Cytogenetic location: 1p34.1.
Variant type: Deletion.
Coding change: c.599del on transcript NM_032756.4 (MANE Select); coding-DNA position 599, one base deleted (G; older notation c.599delG).
Protein change: p.Gly200fs; shifts the reading frame from glycine 200.
Molecular consequence: frameshift variant.
Genome position (GRCh38, 1-based): chr1:45,327,747, G deleted; the last of 3 consecutive G bases (chr1:45,327,745-45,327,747); deleting any one gives the same sequence. VCF-style (leftmost placement, unchanged base first): chr1-45327744-TG-T. GRCh37 (hg19) VCF-style: chr1-45793416-TG-T.
Other names: short protein forms G200fs.
Identifiers: ClinVar variation 1327472 (VCV001327472.9), dbSNP rs1373739660, ClinGen allele CA522810521.